The following is an entry in ClinVar:

ClinVar aggregate classification (germline): Benign (0 of 4 stars; one submission).

Conditions:
PDZD2-related disorder. Also called: PDZD2-related condition.

Allele frequency attached by ClinVar (database versions not stated): 1000 Genomes Project 0.00639; 1000 Genomes Project 30x 0.00671; ESP Exome Variant Server 0.00800.
gnomAD v4.1: 2,015 of 1,614,078 alleles (0.12%); highest among the groups gnomAD compares: African/African-American, 2.2%; 20 homozygotes.

Submission:

PreventionGenetics, part of Exact Sciences
Classification: Benign for PDZD2-related condition. Last evaluated: 2020-02-04. Review status: no assertion criteria provided. Collection method: clinical testing. Allele origin: germline.
Comment: This variant is classified as benign based on ACMG/AMP sequence variant interpretation guidelines (Richards et al. 2015 PMID: 25741868, with internal and published modifications).

NM_178140.4(PDZD2):c.3856C>A (p.His1286Asn)

Gene: PDZD2 (PDZ domain containing 2; plus strand). Cytogenetic location: 5p13.3.
Variant type: single nucleotide variant.
Coding change: c.3856C>A on transcript NM_178140.4 (MANE Select); coding-DNA position 3856, C replaced by A.
Protein change: p.His1286Asn; replaces histidine 1286 with asparagine.
Molecular consequence: missense variant.
Genome position (GRCh38, 1-based): chr5:32,087,304, C>A. VCF-style: chr5-32087304-C-A. GRCh37 (hg19) VCF-style: chr5-32087410-C-A.
Other names: short protein forms H1286N.
Identifiers: ClinVar variation 3044748 (VCV003044748.2), dbSNP rs140809656, ClinGen allele CA3219592.